The following is an entry in ClinVar:

ClinVar aggregate classification (germline): Likely benign (1 of 4 stars; one submission).

Submission:

CeGaT Center for Human Genetics Tuebingen
Classification: Likely benign. Last evaluated: 2026-06-01. Review status: criteria provided, single submitter. Criteria: CeGaT Center For Human Genetics Tuebingen Variant Classification Criteria Version 2. Collection method: clinical testing. Allele origin: germline. Affected: yes. Observed: 1 variant allele.
Comment: SLC12A5: PM2:Supporting, BP4, BP7

NM_020708.5(SLC12A5):c.2250G>A (p.Leu750=)

Gene: SLC12A5 (solute carrier family 12 member 5; plus strand). Cytogenetic location: 20q13.12.
Variant type: single nucleotide variant.
Coding change: c.2250G>A on transcript NM_020708.5 (MANE Select); coding-DNA position 2250, G replaced by A.
Protein change: p.Leu750=; no amino-acid change (leucine 750 retained).
Molecular consequence: synonymous variant.
Genome position (GRCh38, 1-based): chr20:46,051,743, G>A. VCF-style: chr20-46051743-G-A. GRCh37 (hg19) VCF-style: chr20-44680382-G-A.
Other names: c.2319G>A, p.Leu773= (NM_001134771.2).
Identifiers: ClinVar variation 4874048 (VCV004874048.2).